The following is an entry in ClinVar:

NM_001903.5(CTNNA1):c.2618A>G (p.Glu873Gly)

Gene: CTNNA1 (catenin alpha 1; plus strand). Cytogenetic location: 5q31.2.
Variant type: single nucleotide variant.
Coding change: c.2618A>G on transcript NM_001903.5 (MANE Select); coding-DNA position 2618, A replaced by G.
Protein change: p.Glu873Gly; replaces glutamic acid 873 with glycine.
Molecular consequence: missense variant. On other transcripts: 3 prime UTR variant (5).
Genome position (GRCh38, 1-based): chr5:138,933,986, A>G. VCF-style: chr5-138933986-A-G. GRCh37 (hg19) VCF-style: chr5-138269675-A-G.
Other names: c.2309A>G, p.Glu770Gly (NM_001290309.3); c.2249A>G, p.Glu750Gly (NM_001290310.3); c.2618A>G, p.Glu873Gly (NM_001323984.2, NM_001323982.2, NM_001323983.1); c.1508A>G, p.Glu503Gly (NM_001290312.1, NM_001323987.1, NM_001323988.1 and 12 more transcripts); c.2591A>G, p.Glu864Gly (NM_001323985.2); c.2525A>G, p.Glu842Gly (NM_001323986.2); c.1373A>G, p.Glu458Gly (NM_001324001.1); c.*163A>G (NM_001324002.1, NM_001324003.1, NM_001324004.1 and 2 more transcripts); and 3 more; short protein forms E422G, E864G, E472G, E503G, E750G, E770G, E873G, E390G.
Identifiers: ClinVar variation 2563286 (VCV002563286.2), dbSNP rs2533954644, ClinGen allele CA361135615.

ClinVar aggregate classification (germline): Uncertain significance (1 of 4 stars; one submission).

Conditions:
Hereditary cancer-predisposing syndrome. Also called: Neoplastic Syndromes, Hereditary; Hereditary Cancer Syndrome; Hereditary neoplastic syndrome; Tumor predisposition. Identifiers: Orphanet 140162, MedGen C0027672, MeSH D009386, MONDO:0015356.

Submission:

Ambry Genetics
Classification: Uncertain significance for Hereditary cancer-predisposing syndrome. Last evaluated: 2023-05-23. Review status: criteria provided, single submitter. Criteria: Ambry Variant Classification Scheme 2023. Collection method: clinical testing. Allele origin: germline.
Comment: The p.E873G variant (also known as c.2618A>G), located in coding exon 17 of the CTNNA1 gene, results from an A to G substitution at nucleotide position 2618. The glutamic acid at codon 873 is replaced by glycine, an amino acid with similar properties. This amino acid position is conserved. In addition, the in silico prediction for this alteration is inconclusive. Since supporting evidence is limited at this time, the clinical significance of this alteration remains unclear.